The following is an entry in ClinVar:

NM_177438.3(DICER1):c.1255G>T (p.Asp419Tyr)

Gene: DICER1 (dicer 1, ribonuclease III; minus strand). Cytogenetic location: 14q32.13.
Variant type: single nucleotide variant.
Coding change: c.1255G>T on transcript NM_177438.3 (MANE Select); coding-DNA position 1255, G replaced by T.
Protein change: p.Asp419Tyr; replaces aspartic acid 419 with tyrosine.
Molecular consequence: missense variant. On other transcripts: 5 prime UTR variant (1), non-coding transcript variant (6).
Genome position (GRCh38, 1-based): chr14:95,124,317, C>A on the plus strand (G>T on the coding strand, the complement: DICER1 is on the minus strand). VCF-style: chr14-95124317-C-A. GRCh37 (hg19) VCF-style: chr14-95590654-C-A.
Other names: c.1255G>T, p.Asp419Tyr (NM_001195573.1, NM_001271282.3, NM_001291628.2 and 14 more transcripts); c.973G>T, p.Asp325Tyr (NM_001395686.1); c.850G>T, p.Asp284Tyr (NM_001395687.1, NM_001395688.1, NM_001395689.1 and 3 more transcripts); c.688G>T, p.Asp230Tyr (NM_001395691.1); c.-314G>T (NM_001395697.1); short protein forms D230Y, D325Y, D284Y, D419Y.
Identifiers: ClinVar variation 4636980 (VCV004636980.1).

ClinVar aggregate classification (germline): Uncertain significance (1 of 4 stars; one submission).

Conditions:
Hereditary cancer-predisposing syndrome. Also called: Neoplastic Syndromes, Hereditary; Tumor predisposition; Hereditary Cancer Syndrome; Hereditary neoplastic syndrome. Identifiers: Orphanet 140162, MedGen C0027672, MeSH D009386, MONDO:0015356.

Submission:

Ambry Genetics
Classification: Uncertain significance for Hereditary cancer-predisposing syndrome. Last evaluated: 2025-09-29. Review status: criteria provided, single submitter. Criteria: Ambry Variant Classification Scheme 2023. Collection method: clinical testing. Allele origin: germline.
Comment: The p.D419Y variant (also known as c.1255G>T), located in coding exon 7 of the DICER1 gene, results from a G to T substitution at nucleotide position 1255. The aspartic acid at codon 419 is replaced by tyrosine, an amino acid with highly dissimilar properties. This amino acid position is conserved. In addition, this alteration is predicted to be tolerated by in silico analysis. Based on the available evidence, the clinical significance of this variant remains unclear.